The following is an entry in ClinVar:

NM_152383.5(DIS3L2):c.2152G>T (p.Ala718Ser)

Gene: DIS3L2 (DIS3 like 3'-5' exoribonuclease 2; plus strand). Cytogenetic location: 2q37.1.
Variant type: single nucleotide variant.
Coding change: c.2152G>T on transcript NM_152383.5 (MANE Select); coding-DNA position 2152, G replaced by T.
Protein change: p.Ala718Ser; replaces alanine 718 with serine.
Molecular consequence: missense variant. On other transcripts: non-coding transcript variant (2), intron variant (1).
Genome position (GRCh38, 1-based): chr2:232,333,981, G>T. VCF-style: chr2-232333981-G-T. GRCh37 (hg19) VCF-style: chr2-233198691-G-T.
Other names: c.1582-9364G>T (NM_001257281.2); short protein forms A718S.
Identifiers: ClinVar variation 2734953 (VCV002734953.3), dbSNP rs745957922, ClinGen allele CA350977582.

ClinVar aggregate classification (germline): Uncertain significance (1 of 4 stars; one submission).

Conditions:
Perlman syndrome (PRLMNS). Identifiers: Orphanet 2849, MedGen C0796113, MONDO:0009965, OMIM 267000.

gnomAD v4.1: 1 of 1,610,332 alleles (0.000062%); highest among the groups gnomAD compares: Non-Finnish European, 0.000085%; no homozygotes.

Submission:

Labcorp Genetics (formerly Invitae), Labcorp
Classification: Uncertain significance for Perlman syndrome. Last evaluated: 2023-03-15. Review status: criteria provided, single submitter. Criteria: Invitae Variant Classification Sherloc (09022015). Collection method: clinical testing. Allele origin: germline.
Comment: Advanced modeling of protein sequence and biophysical properties (such as structural, functional, and spatial information, amino acid conservation, physicochemical variation, residue mobility, and thermodynamic stability) performed at Invitae indicates that this missense variant is not expected to disrupt DIS3L2 protein function. This variant has not been reported in the literature in individuals affected with DIS3L2-related conditions. This sequence change replaces alanine, which is neutral and non-polar, with serine, which is neutral and polar, at codon 718 of the DIS3L2 protein (p.Ala718Ser). This variant is not present in population databases (gnomAD no frequency). In summary, the available evidence is currently insufficient to determine the role of this variant in disease. Therefore, it has been classified as a Variant of Uncertain Significance.